The following is an entry in ClinVar:

ClinVar aggregate classification (germline): Pathogenic (0 of 4 stars; one submission).

Conditions:
Pyruvate dehydrogenase E1-alpha deficiency (PDHAD). Also called: ATAXIA, INTERMITTENT, WITH PYRUVATE DEHYDROGENASE DEFICIENCY; ATAXIA WITH LACTIC ACIDOSIS I; ATAXIA, INTERMITTENT, WITH ABNORMAL PYRUVATE METABOLISM; Ataxia, intermittent, with pyruvate dehydrogenase, or decarboxylase, deficiency. Identifiers: Orphanet 79243, MedGen C1839413, MONDO:0010717, OMIM 312170.

Submission:

PDHA1 Study Group, University Children’s Hospital, Paracelsus Medical University
Classification: Pathogenic for Pyruvate dehydrogenase E1-alpha deficiency. Last evaluated: 2024-10-15. Review status: no assertion criteria provided. Collection method: research. Allele origin: germline. Affected: yes. Observed: 1 variant allele.
Comment: The NM_000284.3:c.629T>C (p.Met210Thr) substitution is a missense variant in PDHA1 gene. The variant has been reported in 1 published case (PMIDs: 23021068, 8352855). Last literature search: July 12, 2024. This variant is absent or extremely rare in population-based cohorts in the Genome Aggregation Database (gnomAD). Individuals harboring this variant presented with clinical features compatible with PDHA1-related PDHc deficiency. In summary, this variant meets criteria to be classified as pathogenic (P) for PDHA1-related PDHc deficiency based on the ACMG/AMP criteria applied: PS1, PS3, PM1, PM2, PM5, PM7, PP3 (last assessment October 15, 2024).

Literature cited by the submitters: PubMed 23021068; PubMed 8352855; DOI 10.1093/brain/awaf430.

NM_000284.4(PDHA1):c.629T>C (p.Met210Thr)

Gene: PDHA1 (pyruvate dehydrogenase E1 subunit alpha 1; plus strand). Cytogenetic location: Xp22.12.
Variant type: single nucleotide variant.
Coding change: c.629T>C on transcript NM_000284.4 (MANE Select); coding-DNA position 629, T replaced by C.
Protein change: p.Met210Thr; replaces methionine 210 with threonine.
Molecular consequence: missense variant.
Genome position (GRCh38, 1-based): chrX:19,355,374, T>C. VCF-style: chrX-19355374-T-C. GRCh37 (hg19) VCF-style: chrX-19373492-T-C.
Other names: c.743T>C, p.Met248Thr (NM_001173454.2); c.650T>C, p.Met217Thr (NM_001173455.2); c.536T>C, p.Met179Thr (NM_001173456.2); short protein forms M179T, M210T, M217T, M248T.
Identifiers: ClinVar variation 4070350 (VCV004070350.1).